The following is an entry in ClinVar:

NM_005529.7(HSPG2):c.5111C>G (p.Pro1704Arg)

Gene: HSPG2 (heparan sulfate proteoglycan 2; minus strand). Cytogenetic location: 1p36.12.
Variant type: single nucleotide variant.
Coding change: c.5111C>G on transcript NM_005529.7 (MANE Select); coding-DNA position 5111, C replaced by G.
Protein change: p.Pro1704Arg; replaces proline 1704 with arginine.
Molecular consequence: missense variant.
Genome position (GRCh38, 1-based): chr1:21,859,906, G>C on the plus strand (C>G on the coding strand, the complement: HSPG2 is on the minus strand). VCF-style: chr1-21859906-G-C. GRCh37 (hg19) VCF-style: chr1-22186399-G-C.
Other names: c.5114C>G, p.Pro1705Arg (NM_001291860.2); short protein forms P1705R, P1704R.
Identifiers: ClinVar variation 1937860 (VCV001937860.5), dbSNP rs1234967798, ClinGen allele CA338946929.

ClinVar aggregate classification (germline): Uncertain significance (1 of 4 stars; one submission).

Allele frequency attached by ClinVar (database versions not stated): gnomAD 0.00001; gnomAD exomes below 0.00001; TOPMed below 0.00001.
gnomAD v4.1: 2 of 1,610,222 alleles (0.00012%); highest among the groups gnomAD compares: African/African-American, 0.0027%; no homozygotes.

Submission:

Labcorp Genetics (formerly Invitae), Labcorp
Classification: Uncertain significance. Last evaluated: 2025-06-09. Review status: criteria provided, single submitter. Criteria: Invitae Variant Classification Sherloc (09022015). Collection method: clinical testing. Allele origin: germline.
Comment: This sequence change replaces proline, which is neutral and non-polar, with arginine, which is basic and polar, at codon 1704 of the HSPG2 protein (p.Pro1704Arg). This variant is not present in population databases (gnomAD no frequency). This variant has not been reported in the literature in individuals affected with HSPG2-related conditions. ClinVar contains an entry for this variant (Variation ID: 1937860). An algorithm developed to predict the effect of missense changes on protein structure and function (PolyPhen-2) suggests that this variant is likely to be disruptive. In summary, the available evidence is currently insufficient to determine the role of this variant in disease. Therefore, it has been classified as a Variant of Uncertain Significance.